The following is an entry in ClinVar:

NM_000038.6(APC):c.8490T>A (p.Ser2830Arg)

Gene: APC (APC regulator of Wnt signaling pathway; plus strand). Cytogenetic location: 5q22.2.
Variant type: single nucleotide variant.
Coding change: c.8490T>A on transcript NM_000038.6 (MANE Select); coding-DNA position 8490, T replaced by A.
Protein change: p.Ser2830Arg; replaces serine 2830 with arginine.
Molecular consequence: missense variant. On other transcripts: non-coding transcript variant (2).
Genome position (GRCh38, 1-based): chr5:112,844,084, T>A. VCF-style: chr5-112844084-T-A. GRCh37 (hg19) VCF-style: chr5-112179781-T-A.
Other names: c.8544T>A, p.Ser2848Arg (NM_001407449.1, NM_001354896.2, NM_001407447.1 and 1 more transcripts); c.8490T>A, p.Ser2830Arg (NM_001407450.1, NM_001127510.3, NM_001354895.2); c.8469T>A, p.Ser2823Arg (NM_001407451.1); c.8460T>A, p.Ser2820Arg (NM_001407452.1); c.8313T>A, p.Ser2771Arg (NM_001407453.1, NM_001354901.2); c.8241T>A, p.Ser2747Arg (NM_001407454.1, NM_001407455.1, NM_001407456.1 and 1 more transcripts); c.8187T>A, p.Ser2729Arg (NM_001407458.1, NM_001407459.1, NM_001407460.1 and 1 more transcripts); c.8103T>A, p.Ser2701Arg (NM_001407467.1, NM_001407469.1); and 11 more; short protein forms S2739R, S2802R, S2805R, S2701R, S2747R, S2789R, S2823R, S2840R.
Identifiers: ClinVar variation 5025017 (VCV005025017.1).

ClinVar aggregate classification (germline): Uncertain significance (1 of 4 stars; one submission).

Conditions:
Hereditary cancer-predisposing syndrome. Also called: Neoplastic Syndromes, Hereditary; Tumor predisposition; Hereditary neoplastic syndrome; Hereditary Cancer Syndrome. Identifiers: Orphanet 140162, MedGen C0027672, MeSH D009386, MONDO:0015356.

Submission:

Ambry Genetics
Classification: Uncertain significance for Hereditary cancer-predisposing syndrome. Last evaluated: 2026-07-06. Review status: criteria provided, single submitter. Criteria: Ambry Variant Classification Scheme 2023. Collection method: clinical testing. Allele origin: germline.
Comment: The p.S2830R variant (also known as c.8490T>A), located in coding exon 15 of the APC gene, results from a T to A substitution at nucleotide position 8490. The serine at codon 2830 is replaced by arginine, an amino acid with dissimilar properties. This amino acid position is conserved. In addition, in silico predictors for this gene do not accurately predict pathogenicity. Based on the available evidence, the clinical significance of this variant remains unclear.